The following is an entry in ClinVar:

ClinVar aggregate classification (germline): Benign. Review status: criteria provided, multiple submitters, no conflicts (2 of 4 stars). 4 submissions from 3 submitters: Benign (4). Last evaluated 2021-10-25.

Conditions:
Facial dysmorphism-immunodeficiency-livedo-short stature syndrome. Also called: FILS syndrome; Facial dysmorphism, immunodeficiency, livedo, and short stature. Identifiers: Orphanet 352712, MedGen C3554576, MONDO:0014058, OMIM 615139.
Intrauterine growth retardation, metaphyseal dysplasia, adrenal hypoplasia congenita, genital anomalies, and immunodeficiency. Also called: IMAGEI SYNDROME. Identifiers: MedGen C5193036, MONDO:0032684, OMIM 618336.

Allele frequency attached by ClinVar (database versions not stated): gnomAD 0.68901 and 0.68645; 1000 Genomes Project 30x 0.73438; TOPMed 0.70517; ESP Exome Variant Server 0.67477; gnomAD exomes 0.60593; 1000 Genomes Project 0.72903.
gnomAD v4.1: 980,252 of 1,596,498 alleles (61%); highest among the groups gnomAD compares: African/African-American, 86%; 305,664 homozygotes.

Submissions (4):

Genome-Nilou Lab
Classification: Benign for Facial dysmorphism-immunodeficiency-livedo-short stature syndrome. Last evaluated: 2021-10-25. Review status: criteria provided, single submitter. Criteria: ACMG Guidelines, 2015. Collection method: clinical testing. Allele origin: germline. Affected: no.

Genome-Nilou Lab
Classification: Benign for Intrauterine growth retardation, metaphyseal dysplasia, adrenal hypoplasia congenita, genital anomalies, and immunodeficiency. Last evaluated: 2021-10-25. Review status: criteria provided, single submitter. Criteria: ACMG Guidelines, 2015. Collection method: clinical testing. Allele origin: germline. Affected: no.

GeneDx
Classification: Benign. Last evaluated: 2018-06-20. Review status: criteria provided, single submitter. Criteria: GeneDx Variant Classification (06012015). Collection method: clinical testing. Allele origin: germline. Affected: yes.
Comment: This variant is considered likely benign or benign based on one or more of the following criteria: it is a conservative change, it occurs at a poorly conserved position in the protein, it is predicted to be benign by multiple in silico algorithms, and/or has population frequency not consistent with disease.

Breakthrough Genomics
Classification: Benign. Review status: criteria provided, single submitter. Criteria: ACMG Guidelines, 2015. Collection method: not provided. Allele origin: germline. Inheritance: Autosomal recessive inheritance. Affected: yes.

NM_006231.4(POLE):c.5553-43T>C

Gene: POLE (DNA polymerase epsilon, catalytic subunit; minus strand). Cytogenetic location: 12q24.33.
Variant type: single nucleotide variant.
Coding change: c.5553-43T>C on transcript NM_006231.4 (MANE Select); 43 bases into the intron before coding-DNA position 5553, T replaced by C.
Molecular consequence: intron variant.
Genome position (GRCh38, 1-based): chr12:132,638,182, A>G on the plus strand (T>C on the coding strand, the complement: POLE is on the minus strand). VCF-style: chr12-132638182-A-G. GRCh37 (hg19) VCF-style: chr12-133214768-A-G.
Identifiers: ClinVar variation 676501 (VCV000676501.4), dbSNP rs5744970, ClinGen allele CA6892481.